The following is an entry in ClinVar:

NM_002834.5(PTPN11):c.301C>A (p.Pro101Thr)

Gene: PTPN11 (protein tyrosine phosphatase non-receptor type 11; plus strand). Cytogenetic location: 12q24.13.
Variant type: single nucleotide variant.
Coding change: c.301C>A on transcript NM_002834.5 (MANE Select); coding-DNA position 301, C replaced by A.
Protein change: p.Pro101Thr; replaces proline 101 with threonine.
Molecular consequence: missense variant.
Genome position (GRCh38, 1-based): chr12:112,450,481, C>A. VCF-style: chr12-112450481-C-A. GRCh37 (hg19) VCF-style: chr12-112888285-C-A.
Other names: c.301C>A, p.Pro101Thr (NM_001330437.2, NM_080601.3); c.298C>A, p.Pro100Thr (NM_001374625.1); short protein forms P100T, P101T.
Identifiers: ClinVar variation 5027645 (VCV005027645.1).

ClinVar aggregate classification (germline): Uncertain significance (1 of 4 stars; one submission).

Conditions:
Cardiovascular phenotype. Identifiers: MedGen CN230736.

Submission:

Ambry Genetics
Classification: Uncertain significance for Cardiovascular phenotype. Last evaluated: 2026-08-31. Review status: criteria provided, single submitter. Criteria: Ambry Variant Classification Scheme 2023. Collection method: clinical testing. Allele origin: germline.
Comment: The p.P101T variant (also known as c.301C>A), located in coding exon 3 of the PTPN11 gene, results from a C to A substitution at nucleotide position 301. The proline at codon 101 is replaced by threonine, an amino acid with highly similar properties. This amino acid position is conserved. In addition, this alteration is predicted to be deleterious by in silico analysis. Based on the available evidence, the clinical significance of this variant remains unclear.